The following is an entry in ClinVar:

NM_016151.4(TAOK2):c.563+7G>A

Gene: TAOK2 (TAO kinase 2; plus strand). Cytogenetic location: 16p11.2.
Variant type: single nucleotide variant.
Coding change: c.563+7G>A on transcript NM_016151.4 (MANE Select); 7 bases into the intron after coding-DNA position 563, G replaced by A.
Molecular consequence: intron variant.
Genome position (GRCh38, 1-based): chr16:29,979,315, G>A. VCF-style: chr16-29979315-G-A. GRCh37 (hg19) VCF-style: chr16-29990636-G-A.
Other names: c.563+7G>A (NM_004783.4, NM_001252043.2).
Identifiers: ClinVar variation 2898473 (VCV002898473.3), dbSNP rs760047779, ClinGen allele CA7997837.
Genomic context (GRCh38, chr16:29,979,315, plus strand): 5'-TGGTTCTGCGTCCATCATGGCACCTGCCAACTCCTTCGTGGGCACCCCATACTGGTGAGT[G>A]AGTGAGTGGTGGTGAGTGGAGAGACCTCCCAGGGATGTTGGGAGTAGGAGTGACAGGGTC-3'

ClinVar aggregate classification (germline): Uncertain significance (1 of 4 stars; one submission).

Allele frequency attached by ClinVar (database versions not stated): ExAC 0.00001; gnomAD exomes 0.00001.
gnomAD v4.1: 20 of 1,614,030 alleles (0.0012%); highest among the groups gnomAD compares: Non-Finnish European, 0.0017%; no homozygotes.

Submission:

Labcorp Genetics (formerly Invitae), Labcorp
Classification: Uncertain significance. Last evaluated: 2023-04-10. Review status: criteria provided, single submitter. Criteria: Invitae Variant Classification Sherloc (09022015). Collection method: clinical testing. Allele origin: germline.
Comment: In summary, the available evidence is currently insufficient to determine the role of this variant in disease. Therefore, it has been classified as a Variant of Uncertain Significance. Algorithms developed to predict the effect of sequence changes on RNA splicing suggest that this variant may create or strengthen a splice site. This variant has not been reported in the literature in individuals affected with TAOK2-related conditions. This variant is present in population databases (rs760047779, gnomAD 0.002%). This sequence change falls in intron 7 of the TAOK2 gene. It does not directly change the encoded amino acid sequence of the TAOK2 protein.